The following is an entry in ClinVar:

ClinVar aggregate classification (germline): Uncertain significance. Review status: criteria provided, multiple submitters, no conflicts (2 of 4 stars). 3 submissions from 3 submitters: Uncertain significance (3). Last evaluated 2024-12-30.

Conditions:
Hereditary cancer-predisposing syndrome. Also called: Hereditary neoplastic syndrome; Neoplastic Syndromes, Hereditary; Tumor predisposition; Hereditary Cancer Syndrome. Identifiers: Orphanet 140162, MedGen C0027672, MeSH D009386, MONDO:0015356.

Allele frequency attached by ClinVar (database versions not stated): gnomAD exomes below 0.00001 and 0.00001; TOPMed 0.00002; gnomAD 0.00003 and 0.00004.
gnomAD v4.1: 10 of 1,599,272 alleles (0.00063%); highest among the groups gnomAD compares: Admixed American, 0.012%; no homozygotes.

Submissions (3):

Labcorp Genetics (formerly Invitae), Labcorp
Classification: Uncertain significance. Last evaluated: 2024-12-30. Review status: criteria provided, single submitter. Criteria: Invitae Variant Classification Sherloc (09022015). Collection method: clinical testing. Allele origin: germline.
Comment: This sequence change replaces valine, which is neutral and non-polar, with alanine, which is neutral and non-polar, at codon 1725 of the POLE protein (p.Val1725Ala). This variant is present in population databases (no rsID available, gnomAD 0.006%). This variant has not been reported in the literature in individuals affected with POLE-related conditions. ClinVar contains an entry for this variant (Variation ID: 423440). An algorithm developed to predict the effect of missense changes on protein structure and function (PolyPhen-2) suggests that this variant is likely to be tolerated. In summary, the available evidence is currently insufficient to determine the role of this variant in disease. Therefore, it has been classified as a Variant of Uncertain Significance.

Ambry Genetics
Classification: Uncertain significance for Hereditary cancer-predisposing syndrome. Last evaluated: 2024-02-13. Review status: criteria provided, single submitter. Criteria: Ambry Variant Classification Scheme 2023. Collection method: clinical testing. Allele origin: germline.
Comment: The p.V1725A variant (also known as c.5174T>C) is located in coding exon 39 of the POLE gene. The valine at codon 1725 is replaced by alanine, an amino acid with similar properties. This change occurs in the first base pair of coding exon 39. This amino acid position is conserved. In addition, this alteration is predicted to be tolerated by in silico analysis. Since supporting evidence is limited at this time, the clinical significance of this alteration remains unclear.

GeneDx
Classification: Uncertain significance. Last evaluated: 2022-12-13. Review status: criteria provided, single submitter. Criteria: GeneDx Variant Classification Process June 2021. Collection method: clinical testing. Allele origin: germline. Affected: yes.
Comment: Not observed at significant frequency in large population cohorts (gnomAD); In silico analysis supports that this missense variant has a deleterious effect on protein structure/function; Has not been previously published as pathogenic or benign to our knowledge; This variant is associated with the following publications: (PMID: 29056344)

NM_006231.4(POLE):c.5174T>C (p.Val1725Ala)

Gene: POLE (DNA polymerase epsilon, catalytic subunit; minus strand). Cytogenetic location: 12q24.33.
Variant type: single nucleotide variant.
Coding change: c.5174T>C on transcript NM_006231.4 (MANE Select); coding-DNA position 5174, T replaced by C.
Protein change: p.Val1725Ala; replaces valine 1725 with alanine.
Molecular consequence: missense variant.
Genome position (GRCh38, 1-based): chr12:132,641,851, A>G on the plus strand (T>C on the coding strand, the complement: POLE is on the minus strand). VCF-style: chr12-132641851-A-G. GRCh37 (hg19) VCF-style: chr12-133218437-A-G.
Other names: short protein forms V1725A.
Identifiers: ClinVar variation 423440 (VCV000423440.17), dbSNP rs1064796427, ClinGen allele CA16619459.